The following is an entry in ClinVar:

NM_015506.3(MMACHC):c.164C>T (p.Thr55Met)

Gene: MMACHC (metabolism of cobalamin associated C; plus strand). Cytogenetic location: 1p34.1.
Variant type: single nucleotide variant.
Coding change: c.164C>T on transcript NM_015506.3 (MANE Select); coding-DNA position 164, C replaced by T.
Protein change: p.Thr55Met; replaces threonine 55 with methionine.
Molecular consequence: missense variant. On other transcripts: 5 prime UTR variant (1).
Genome position (GRCh38, 1-based): chr1:45,507,438, C>T. VCF-style: chr1-45507438-C-T. GRCh37 (hg19) VCF-style: chr1-45973110-C-T.
Other names: p.Thr55Met; c.-8C>T (NM_001330540.2); short protein forms T55M.
Identifiers: ClinVar variation 1946262 (VCV001946262.4), dbSNP rs375330130, ClinGen allele CA827657.

ClinVar aggregate classification (germline): Uncertain significance. Review status: criteria provided, multiple submitters, no conflicts (2 of 4 stars). 3 submissions from 3 submitters: Uncertain significance (3). Last evaluated 2023-02-06.

Conditions:
Cobalamin C disease. Also called: Methylmalonic aciduria with homocystinuria cblC type; Cobalamin-C methylmalonic acidemia and homocystinuria; Methylmalonic acidemia and homocystinuria cblC type; Methylmalonic aciduria and homocystinuria, Vitamin B12-responsive; Vitamin B12 metabolic defect with combined deficiency of methylmalonyl-CoA mutase and homocysteine:methyltetrahydrofolate methyltransferase; methylmalonic aciduria and homocystinuria type cblC. Identifiers: Orphanet 26, Orphanet 79282, MedGen C1848561, MONDO:0010184, OMIM 277400.

Allele frequency attached by ClinVar (database versions not stated): ExAC 0.00002; gnomAD exomes 0.00002; gnomAD 0.00003; TOPMed 0.00003; ESP Exome Variant Server 0.00008.
gnomAD v4.1: 27 of 1,614,056 alleles (0.0017%); highest among the groups gnomAD compares: African/African-American, 0.0067%; no homozygotes.

Submissions (3):

Mayo Clinic Laboratories, Mayo Clinic
Classification: Uncertain significance. Last evaluated: 2023-02-06. Review status: criteria provided, single submitter. Criteria: ACMG Guidelines, 2015. Collection method: clinical testing. Allele origin: germline. Observed: 1 variant allele.
Comment: PP3

Labcorp Genetics (formerly Invitae), Labcorp
Classification: Uncertain significance for Cobalamin C disease. Last evaluated: 2022-03-27. Review status: criteria provided, single submitter. Criteria: Invitae Variant Classification Sherloc (09022015). Collection method: clinical testing. Allele origin: germline.
Comment: This sequence change replaces threonine, which is neutral and polar, with methionine, which is neutral and non-polar, at codon 55 of the MMACHC protein (p.Thr55Met). This variant is present in population databases (rs375330130, gnomAD 0.01%). This variant has not been reported in the literature in individuals affected with MMACHC-related conditions. Advanced modeling of protein sequence and biophysical properties (such as structural, functional, and spatial information, amino acid conservation, physicochemical variation, residue mobility, and thermodynamic stability) performed at Invitae indicates that this missense variant is expected to disrupt MMACHC protein function. In summary, the available evidence is currently insufficient to determine the role of this variant in disease. Therefore, it has been classified as a Variant of Uncertain Significance.

Blueprint Genetics
Classification: Uncertain significance. Last evaluated: 2020-08-05. Review status: criteria provided, single submitter. Criteria: ACMG Guidelines, 2015. Collection method: clinical testing. Allele origin: germline.